The following is an entry in ClinVar:

NM_025074.7(FRAS1):c.8246C>T (p.Thr2749Ile)

Gene: FRAS1 (Fraser extracellular matrix complex subunit 1; plus strand). Cytogenetic location: 4q21.21.
Variant type: single nucleotide variant.
Coding change: c.8246C>T on transcript NM_025074.7 (MANE Select); coding-DNA position 8246, C replaced by T.
Protein change: p.Thr2749Ile; replaces threonine 2749 with isoleucine.
Molecular consequence: missense variant.
Genome position (GRCh38, 1-based): chr4:78,479,521, C>T. VCF-style: chr4-78479521-C-T. GRCh37 (hg19) VCF-style: chr4-79400675-C-T.
Other names: short protein forms T2749I.
Identifiers: ClinVar variation 4688404 (VCV004688404.1).

ClinVar aggregate classification (germline): Uncertain significance (1 of 4 stars; one submission).

Submission:

Women's Health and Genetics/Laboratory Corporation of America, LabCorp
Classification: Uncertain significance. Last evaluated: 2025-12-30. Review status: criteria provided, single submitter. Criteria: LabCorp Variant Classification Summary - May 2015. Collection method: clinical testing. Allele origin: germline.
Comment: Variant summary: FRAS1 c.8246C>T (p.Thr2749Ile) results in a non-conservative amino acid change in the encoded protein sequence. Algorithms developed to predict the effect of missense changes on protein structure and function are either unavailable or do not agree on the potential impact of this missense change. The variant was absent in 248782 control chromosomes. The available data on variant occurrences in the general population are insufficient to allow any conclusion about variant significance. To our knowledge, no occurrence of c.8246C>T in individuals affected with FRAS1-related conditions and no experimental evidence demonstrating its impact on protein function have been reported. No submitters have cited clinical-significance assessments for this variant to ClinVar. Based on the evidence outlined above, the variant was classified as uncertain significance.